The following is an entry in ClinVar:

ClinVar aggregate classification (germline): Uncertain significance. Review status: criteria provided, multiple submitters, no conflicts (2 of 4 stars). 2 submissions from 2 submitters: Uncertain significance (2). Last evaluated 2022-04-01.

Allele frequency attached by ClinVar (database versions not stated): ExAC 0.00001; gnomAD exomes 0.00001 and 0.00002.
gnomAD v4.1: 16 of 1,612,122 alleles (0.00099%); highest among the groups gnomAD compares: Non-Finnish European, 0.0014%; no homozygotes.

Submissions (2):

Labcorp Genetics (formerly Invitae), Labcorp
Classification: Uncertain significance. Last evaluated: 2022-04-01. Review status: criteria provided, single submitter. Criteria: Invitae Variant Classification Sherloc (09022015). Collection method: clinical testing. Allele origin: germline.
Comment: Advanced modeling of protein sequence and biophysical properties (such as structural, functional, and spatial information, amino acid conservation, physicochemical variation, residue mobility, and thermodynamic stability) performed at Invitae indicates that this missense variant is not expected to disrupt WFS1 protein function. In summary, the available evidence is currently insufficient to determine the role of this variant in disease. Therefore, it has been classified as a Variant of Uncertain Significance. ClinVar contains an entry for this variant (Variation ID: 1318746). This variant has not been reported in the literature in individuals affected with WFS1-related conditions. This variant is present in population databases (rs769320727, gnomAD 0.003%). This sequence change replaces proline, which is neutral and non-polar, with leucine, which is neutral and non-polar, at codon 475 of the WFS1 protein (p.Pro475Leu).

GeneDx
Classification: Uncertain significance. Last evaluated: 2019-10-14. Review status: criteria provided, single submitter. Criteria: GeneDx Variant Classification Process June 2021. Collection method: clinical testing. Allele origin: germline. Affected: yes.
Comment: Not observed at a significant frequency in large population cohorts (Lek et al., 2016); In silico analysis, which includes protein predictors and evolutionary conservation, supports that this variant does not alter protein structure/function; Has not been previously published as pathogenic or benign to our knowledge

NM_006005.3(WFS1):c.1424C>T (p.Pro475Leu)

Gene: WFS1 (wolframin ER transmembrane glycoprotein; plus strand). Cytogenetic location: 4p16.1.
Variant type: single nucleotide variant.
Coding change: c.1424C>T on transcript NM_006005.3 (MANE Select); coding-DNA position 1424, C replaced by T.
Protein change: p.Pro475Leu; replaces proline 475 with leucine.
Molecular consequence: missense variant.
Genome position (GRCh38, 1-based): chr4:6,301,219, C>T. VCF-style: chr4-6301219-C-T. GRCh37 (hg19) VCF-style: chr4-6302946-C-T.
Other names: c.1424C>T, p.Pro475Leu (NM_001145853.1); short protein forms P475L.
Identifiers: ClinVar variation 1318746 (VCV001318746.6), dbSNP rs769320727, ClinGen allele CA2839345.